The following is an entry in ClinVar:

NM_006206.6(PDGFRA):c.798C>T (p.Val266=)

Gene: PDGFRA (platelet derived growth factor receptor alpha; plus strand). Cytogenetic location: 4q12.
Variant type: single nucleotide variant.
Coding change: c.798C>T on transcript NM_006206.6 (MANE Select); coding-DNA position 798, C replaced by T.
Protein change: p.Val266=; no amino-acid change (valine 266 retained).
Molecular consequence: synonymous variant.
Genome position (GRCh38, 1-based): chr4:54,267,327, C>T. VCF-style: chr4-54267327-C-T. GRCh37 (hg19) VCF-style: chr4-55133494-C-T.
Other names: c.798C>T, p.Val266= (NM_001347827.2, NM_001347829.2); c.873C>T, p.Val291= (NM_001347828.2); c.837C>T, p.Val279= (NM_001347830.2).
Identifiers: ClinVar variation 1606361 (VCV001606361.11), dbSNP rs370656660, ClinGen allele CA2922391.
Genomic context (GRCh38, chr4:54,267,327, plus strand): 5'-TTTTCTTCCCCTTTTGCTGTAGAAAGGCAAAGGCATCACAATGCTGGAAGAAATCAAAGT[C>T]CCATCCATCAAATTGGTGTACACTTTGACGGTCCCCGAGGCCACGGTGAAAGACAGTGGA-3'
Protein context (NP_006197.1, residues 256-276): KGITMLEEIK[Val266=]PSIKLVYTLT

ClinVar aggregate classification (germline): Benign/Likely benign. Review status: criteria provided, multiple submitters, no conflicts (2 of 4 stars). 3 submissions from 3 submitters: Benign (1); Likely benign (2). Last evaluated 2026-06-16.

Conditions:
Polyps, multiple and recurrent inflammatory fibroid, gastrointestinal. Identifiers: MedGen C5193005, MONDO:0008285, OMIM 175510.
Hereditary cancer-predisposing syndrome. Also called: Neoplastic Syndromes, Hereditary; Tumor predisposition; Hereditary Cancer Syndrome; Hereditary neoplastic syndrome. Identifiers: Orphanet 140162, MedGen C0027672, MeSH D009386, MONDO:0015356.
Gastrointestinal stromal tumor. Also called: Gastrointestinal stromal tumor, somatic; Gastrointestinal stroma tumor. Identifiers: Orphanet 44890, MedGen C0238198, MeSH D046152, MONDO:0011719, OMIM 606764, HP:0100723.

Allele frequency attached by ClinVar (database versions not stated): TOPMed below 0.00001; gnomAD 0.00001; ESP Exome Variant Server 0.00008.
gnomAD v4.1: 2 of 1,614,052 alleles (0.00012%); highest among the groups gnomAD compares: African/African-American, 0.0027%; no homozygotes.

Submissions (3):

Myriad Genetics, Inc.
Classification: Benign for Polyps, multiple and recurrent inflammatory fibroid, gastrointestinal. Last evaluated: 2026-06-16. Review status: criteria provided, single submitter. Criteria: Myriad Autosomal Dominant, Autosomal Recessive and X-Linked Classification Criteria (2023). Collection method: clinical testing. Allele origin: unknown.
Comment: This variant is considered benign. This variant is a silent/synonymous amino acid change and it is not expected to impact splicing.

Labcorp Genetics (formerly Invitae), Labcorp
Classification: Likely benign for Gastrointestinal stromal tumor. Last evaluated: 2025-05-18. Review status: criteria provided, single submitter. Criteria: Invitae Variant Classification Sherloc (09022015). Collection method: clinical testing. Allele origin: germline.

Ambry Genetics
Classification: Likely benign for Hereditary cancer-predisposing syndrome. Last evaluated: 2022-09-16. Review status: criteria provided, single submitter. Criteria: Ambry Variant Classification Scheme 2023. Collection method: clinical testing. Allele origin: germline.